The following is an entry in ClinVar:

NM_001130004.2(ACTN1):c.982G>A (p.Val328Met)

Gene: ACTN1 (actinin alpha 1; minus strand). Cytogenetic location: 14q24.1.
Variant type: single nucleotide variant.
Coding change: c.982G>A on transcript NM_001130004.2 (MANE Select); coding-DNA position 982, G replaced by A.
Protein change: p.Val328Met; replaces valine 328 with methionine.
Molecular consequence: missense variant.
Genome position (GRCh38, 1-based): chr14:68,892,157, C>T on the plus strand (G>A on the coding strand, the complement: ACTN1 is on the minus strand). VCF-style: chr14-68892157-C-T. GRCh37 (hg19) VCF-style: chr14-69358874-C-T.
Other names: c.982G>A, p.Val328Met (NM_001102.4, NM_001130005.2); short protein forms V328M.
Identifiers: ClinVar variation 666542 (VCV000666542.4), dbSNP rs1594771236, ClinGen allele CA390188475.

ClinVar aggregate classification (germline): Conflicting classifications of pathogenicity. Review status: criteria provided, conflicting classifications (1 of 4 stars). 2 submissions from 2 submitters: Likely pathogenic (1); Uncertain significance (1). Last evaluated 2023-10-05.

Conditions:
Platelet-type bleeding disorder 15 (BDPLT15). Also called: MACROTHROMBOCYTOPENIA, AUTOSOMAL DOMINANT, ACTN1-RELATED. Identifiers: Orphanet 140957, MedGen C3554663, MONDO:0014078, OMIM 615193.

Submissions (2):

Labcorp Genetics (formerly Invitae), Labcorp
Classification: Uncertain significance. Last evaluated: 2023-10-05. Review status: criteria provided, single submitter. Criteria: Invitae Variant Classification Sherloc (09022015). Collection method: clinical testing. Allele origin: germline.
Comment: This sequence change replaces valine, which is neutral and non-polar, with methionine, which is neutral and non-polar, at codon 328 of the ACTN1 protein (p.Val328Met). This variant is not present in population databases (gnomAD no frequency). This missense change has been observed in individual(s) with thrombocytopenia (PMID: 31237726). ClinVar contains an entry for this variant (Variation ID: 666542). Advanced modeling of protein sequence and biophysical properties (such as structural, functional, and spatial information, amino acid conservation, physicochemical variation, residue mobility, and thermodynamic stability) performed at Invitae indicates that this missense variant is not expected to disrupt ACTN1 protein function. In summary, the available evidence is currently insufficient to determine the role of this variant in disease. Therefore, it has been classified as a Variant of Uncertain Significance.

Hematology laboratory, Robert Debré Hospital
Classification: Likely pathogenic for Platelet-type bleeding disorder 15. Review status: criteria provided, single submitter. Criteria: ACMG Guidelines, 2015. Collection method: clinical testing. Allele origin: germline. Affected: yes. Observed: 1 variant allele.

Literature cited by the submitters: PubMed 31237726 (cited by Labcorp Genetics (formerly Invitae), Labcorp and Hematology laboratory, Robert Debré Hospital).